The following is an entry in ClinVar:

ClinVar aggregate classification (germline): Uncertain significance (1 of 4 stars; one submission).

Conditions:
Trichorhinophalangeal dysplasia type I (TRPS1). Also called: TRICHORHINOPHALANGEAL SYNDROME, TYPE I; TRPS I. Identifiers: Orphanet 77258, MedGen C0432233, MONDO:0008596, OMIM 190350.
Trichorhinophalangeal syndrome, type III (TRPS3). Also called: SUGIO-KAJII SYNDROME. Identifiers: Orphanet 77258, MedGen C1860823, OMIM 190351, MONDO:0008597.

gnomAD v4.1: 1 of 1,614,014 alleles (0.000062%); highest among the groups gnomAD compares: Non-Finnish European, 0.000085%; no homozygotes.

Submission:

Labcorp Genetics (formerly Invitae), Labcorp
Classification: Uncertain significance for Trichorhinophalangeal syndrome, type III; Trichorhinophalangeal dysplasia type I. Last evaluated: 2024-02-25. Review status: criteria provided, single submitter. Criteria: Invitae Variant Classification Sherloc (09022015). Collection method: clinical testing. Allele origin: germline.
Comment: This sequence change replaces proline, which is neutral and non-polar, with leucine, which is neutral and non-polar, at codon 1091 of the TRPS1 protein (p.Pro1091Leu). This variant is present in population databases (rs749289983, gnomAD 0.0009%). This variant has not been reported in the literature in individuals affected with TRPS1-related conditions. Advanced modeling of protein sequence and biophysical properties (such as structural, functional, and spatial information, amino acid conservation, physicochemical variation, residue mobility, and thermodynamic stability) performed at Invitae indicates that this missense variant is not expected to disrupt TRPS1 protein function with a negative predictive value of 80%. In summary, the available evidence is currently insufficient to determine the role of this variant in disease. Therefore, it has been classified as a Variant of Uncertain Significance.

NM_014112.5(TRPS1):c.3272C>T (p.Pro1091Leu)

Gene: TRPS1 (transcriptional repressor GATA binding 1; minus strand). Cytogenetic location: 8q23.3.
Variant type: single nucleotide variant.
Coding change: c.3272C>T on transcript NM_014112.5 (MANE Select); coding-DNA position 3272, C replaced by T.
Protein change: p.Pro1091Leu; replaces proline 1091 with leucine.
Molecular consequence: missense variant.
Genome position (GRCh38, 1-based): chr8:115,414,636, G>A on the plus strand (C>T on the coding strand, the complement: TRPS1 is on the minus strand). VCF-style: chr8-115414636-G-A. GRCh37 (hg19) VCF-style: chr8-116426864-G-A.
Other names: c.3245C>T, p.Pro1082Leu (NM_001282902.3); c.3251C>T, p.Pro1084Leu (NM_001282903.3); c.3233C>T, p.Pro1078Leu (NM_001330599.2); short protein forms P1078L, P1082L, P1084L, P1091L.
Identifiers: ClinVar variation 3762540 (VCV003762540.2).